The following is an entry in ClinVar:

NM_002691.4(POLD1):c.3079G>A (p.Glu1027Lys)

Gene: POLD1 (DNA polymerase delta 1, catalytic subunit; plus strand). Cytogenetic location: 19q13.33.
Variant type: single nucleotide variant.
Coding change: c.3079G>A on transcript NM_002691.4 (MANE Select); coding-DNA position 3079, G replaced by A.
Protein change: p.Glu1027Lys; replaces glutamic acid 1027 with lysine.
Molecular consequence: missense variant. On other transcripts: non-coding transcript variant (1).
Genome position (GRCh38, 1-based): chr19:50,417,056, G>A. VCF-style: chr19-50417056-G-A. GRCh37 (hg19) VCF-style: chr19-50920313-G-A.
Other names: c.3079G>A, p.Glu1027Lys (NM_001256849.1); c.3157G>A, p.Glu1053Lys (NM_001308632.1); short protein forms E1053K, E1027K.
Identifiers: ClinVar variation 655744 (VCV000655744.13), dbSNP rs1489140479, ClinGen allele CA406987070.
Genomic context (GRCh38, chr19:50,417,056, plus strand): 5'-CCAGTTCCTGGCTGGGCCCCAGCACTTGGGCTGACCCGCCTCCCCACAGGAGCCGTGTGT[G>A]AGTTCTGCCAGCCCCGGGAGTCTGAGCTGTATCAGAAGGAGGTGAGAGGGCCGGGAGGTG-3'
Protein context (NP_002682.2, residues 1017-1037): TVLSHQGAVC[Glu1027Lys]FCQPRESELY

ClinVar aggregate classification (germline): Conflicting classifications of pathogenicity. Review status: criteria provided, conflicting classifications (1 of 4 stars). 2 submissions from 2 submitters: Uncertain significance (1); Likely benign (1). Last evaluated 2025-03-26.

Conditions:
POLD1-related polyposis and colorectal cancer syndrome (CRCS10). Also called: Colorectal cancer, susceptibility to, 10; Colorectal cancer 10; COLORECTAL CANCER, SUSCEPTIBILITY TO, ON CHROMOSOME 19q. Identifiers: Orphanet 220460, MedGen C2675481, MONDO:0012953, OMIM 612591.
Hereditary cancer-predisposing syndrome. Also called: Hereditary neoplastic syndrome; Tumor predisposition; Hereditary Cancer Syndrome; Neoplastic Syndromes, Hereditary. Identifiers: Orphanet 140162, MedGen C0027672, MeSH D009386, MONDO:0015356.

Allele frequency attached by ClinVar (database versions not stated): TOPMed below 0.00001; gnomAD 0.00001; gnomAD exomes 0.00001.
gnomAD v4.1: 4 of 1,551,464 alleles (0.00026%); highest among the groups gnomAD compares: Non-Finnish European, 0.00035%; no homozygotes.

Submissions (2):

Labcorp Genetics (formerly Invitae), Labcorp
Classification: Uncertain significance for POLD1-related polyposis and colorectal cancer syndrome. Last evaluated: 2025-03-26. Review status: criteria provided, single submitter. Criteria: Invitae Variant Classification Sherloc (09022015). Collection method: clinical testing. Allele origin: germline.
Comment: This sequence change replaces glutamic acid, which is acidic and polar, with lysine, which is basic and polar, at codon 1027 of the POLD1 protein (p.Glu1027Lys). This variant is not present in population databases (gnomAD no frequency). This variant has not been reported in the literature in individuals affected with POLD1-related conditions. ClinVar contains an entry for this variant (Variation ID: 655744). Invitae Evidence Modeling of protein sequence and biophysical properties (such as structural, functional, and spatial information, amino acid conservation, physicochemical variation, residue mobility, and thermodynamic stability) indicates that this missense variant is not expected to disrupt POLD1 protein function with a negative predictive value of 80%. In summary, the available evidence is currently insufficient to determine the role of this variant in disease. Therefore, it has been classified as a Variant of Uncertain Significance.

Ambry Genetics
Classification: Likely benign for Hereditary cancer-predisposing syndrome. Last evaluated: 2022-05-09. Review status: criteria provided, single submitter. Criteria: Ambry Variant Classification Scheme 2023. Collection method: clinical testing. Allele origin: germline.